The following is an entry in ClinVar:

NM_001243133.2(NLRP3):c.2663G>C (p.Gly888Ala)

Gene: NLRP3 (NLR family pyrin domain containing 3; plus strand). Cytogenetic location: 1q44.
Variant type: single nucleotide variant.
Coding change: c.2663G>C on transcript NM_001243133.2 (MANE Select); coding-DNA position 2663, G replaced by C.
Protein change: p.Gly888Ala; replaces glycine 888 with alanine.
Molecular consequence: missense variant. On other transcripts: intron variant (2).
Genome position (GRCh38, 1-based): chr1:247,436,140, G>C. VCF-style: chr1-247436140-G-C. GRCh37 (hg19) VCF-style: chr1-247599442-G-C.
Other names: c.2492+1867G>C (NM_001127461.3); c.2321+1867G>C (NM_183395.3); c.2492G>C, p.Gly831Ala (NM_001127462.3); c.2669G>C, p.Gly890Ala (NM_004895.5); c.2663G>C, p.Gly888Ala (NM_001079821.3); short protein forms G888A, G890A, G831A.
Identifiers: ClinVar variation 4727972 (VCV004727972.1).
Genomic context (GRCh38, chr1:247,436,140, plus strand): 5'-CAGGAGTCGCAATTTTATGTGAAAAAGCCAAGAATCCACAGTGTAACCTGCAGAAACTGG[G>C]GTAAGTCTTCATGGGTGTCTTACCAGAAAAGTAACTTCTTTTCAGAGGTGAATTATTTGG-3'
Protein context (NP_001230062.1, residues 878-898): KNPQCNLQKL[Gly888Ala]LVNSGLTSVC

ClinVar aggregate classification (germline): Uncertain significance (1 of 4 stars; one submission).

Conditions:
Cryopyrin associated periodic syndrome (CAPS). Identifiers: Orphanet 208650, MedGen C2316212, MONDO:0016168.

gnomAD v4.1: 5 of 1,613,932 alleles (0.00031%); highest among the groups gnomAD compares: East Asian, 0.0089%; no homozygotes.

Submission:

Labcorp Genetics (formerly Invitae), Labcorp
Classification: Uncertain significance for Cryopyrin associated periodic syndrome. Last evaluated: 2025-10-08. Review status: criteria provided, single submitter. Criteria: Invitae Variant Classification Sherloc (09022015). Collection method: clinical testing. Allele origin: germline.
Comment: This sequence change replaces glycine, which is neutral and non-polar, with alanine, which is neutral and non-polar, at codon 890 of the NLRP3 protein (p.Gly890Ala). This variant also falls at the last nucleotide of exon 6, which is part of the consensus splice site for this exon. This variant is present in population databases (rs779698594, gnomAD 0.02%). This variant has not been reported in the literature in individuals affected with NLRP3-related conditions. An algorithm developed to predict the effect of missense changes on protein structure and function (PolyPhen-2) suggests that this variant is likely to be disruptive. Variants that disrupt the consensus splice site are a relatively common cause of aberrant splicing (PMID: 17576681, 9536098). Algorithms developed to predict the effect of sequence changes on RNA splicing suggest that this variant may disrupt the consensus splice site. In summary, the available evidence is currently insufficient to determine the role of this variant in disease. Therefore, it has been classified as a Variant of Uncertain Significance.

Literature cited by the submitters: PubMed 17576681; PubMed 9536098.